The following is an entry in ClinVar:

NM_006231.4(POLE):c.424-20G>A

Gene: POLE (DNA polymerase epsilon, catalytic subunit; minus strand). Cytogenetic location: 12q24.33.
Variant type: single nucleotide variant.
Coding change: c.424-20G>A on transcript NM_006231.4 (MANE Select); 20 bases into the intron before coding-DNA position 424, G replaced by A.
Molecular consequence: intron variant.
Genome position (GRCh38, 1-based): chr12:132,679,671, C>T on the plus strand (G>A on the coding strand, the complement: POLE is on the minus strand). VCF-style: chr12-132679671-C-T. GRCh37 (hg19) VCF-style: chr12-133256257-C-T.
Identifiers: ClinVar variation 384020 (VCV000384020.11), dbSNP rs781020097, ClinGen allele CA6894319.

ClinVar aggregate classification (germline): Likely benign. Review status: criteria provided, multiple submitters, no conflicts (2 of 4 stars). 4 submissions from 4 submitters: Likely benign (4). Last evaluated 2025-11-10.

Allele frequency attached by ClinVar (database versions not stated): TOPMed 0.00001; gnomAD 0.00002 and 0.00003.
gnomAD v4.1: 18 of 1,598,698 alleles (0.0011%); highest among the groups gnomAD compares: African/African-American, 0.0054%; no homozygotes.

Submissions (4):

Labcorp Genetics (formerly Invitae), Labcorp
Classification: Likely benign. Last evaluated: 2025-11-10. Review status: criteria provided, single submitter. Criteria: Invitae Variant Classification Sherloc (09022015). Collection method: clinical testing. Allele origin: germline.

Center for Genomic Medicine, Rigshospitalet, Copenhagen University Hospital
Classification: Likely benign. Last evaluated: 2025-03-04. Review status: criteria provided, single submitter. Criteria: ACMG Guidelines, 2015. Collection method: clinical testing. Allele origin: germline.

Blueprint Genetics
Classification: Likely benign. Last evaluated: 2024-09-19. Review status: criteria provided, single submitter. Criteria: ACMG Guidelines, 2015. Collection method: clinical testing. Allele origin: germline.

GeneDx
Classification: Likely benign. Last evaluated: 2017-06-17. Review status: criteria provided, single submitter. Criteria: GeneDx Variant Classification (06012015). Collection method: clinical testing. Allele origin: germline. Affected: yes.
Comment: This variant is considered likely benign or benign based on one or more of the following criteria: it is a conservative change, it occurs at a poorly conserved position in the protein, it is predicted to be benign by multiple in silico algorithms, and/or has population frequency not consistent with disease.